The following is an entry in ClinVar:

ClinVar aggregate classification (germline): Pathogenic (1 of 4 stars; one submission).

Conditions:
Hereditary cancer-predisposing syndrome. Also called: Neoplastic Syndromes, Hereditary; Tumor predisposition; Hereditary neoplastic syndrome; Hereditary Cancer Syndrome. Identifiers: Orphanet 140162, MedGen C0027672, MeSH D009386, MONDO:0015356.

Submission:

Ambry Genetics
Classification: Pathogenic for Hereditary cancer-predisposing syndrome. Last evaluated: 2018-11-12. Review status: criteria provided, single submitter. Criteria: Ambry Variant Classification Scheme 2023. Collection method: clinical testing. Allele origin: germline.
Comment: The c.3961dupA pathogenic mutation, located in coding exon 25 of the ATM gene, results from a duplication of A at nucleotide position 3961, causing a translational frameshift with a predicted alternate stop codon (p.M1321Nfs*3). This alteration is expected to result in loss of function by premature protein truncation or nonsense-mediated mRNA decay. As such, this alteration is interpreted as a disease-causing mutation.

NM_000051.4(ATM):c.3961dup (p.Met1321fs)

Gene: ATM (ATM serine/threonine kinase; plus strand). Cytogenetic location: 11q22.3.
Variant type: Duplication.
Coding change: c.3961dup on transcript NM_000051.4 (MANE Select); coding-DNA position 3961, one base duplicated (A; older notation c.3961dupA).
Protein change: p.Met1321fs; shifts the reading frame from methionine 1321.
Molecular consequence: frameshift variant.
Genome position (GRCh38, 1-based): chr11:108,284,441, A duplicated. VCF-style (leftmost placement, unchanged base first): chr11-108284440-T-TA. GRCh37 (hg19) VCF-style: chr11-108155167-T-TA.
Other names: c.3961dup, p.Met1321fs (NM_001351834.2); short protein forms M1321fs.
Identifiers: ClinVar variation 824433 (VCV000824433.4), dbSNP rs1591646429, ClinGen allele CA915944407.
Genomic context (GRCh38, chr11:108,284,440, plus strand): 5'-TGAGGGTACCAGAGACAGTGGGATGGCACAGCAAAGAGAGACTGCTACCAAGGTCTATGA[T>TA]ATGCTTAAAAGTGAAAACTTATTGGGAAAACAGGTATGGCTTCAATTTTTATGTACTTTT-3'